The following is an entry in ClinVar:

ClinVar aggregate classification (germline): Uncertain significance (1 of 4 stars; one submission).

Conditions:
Inborn genetic diseases. Identifiers: MedGen C0950123, MeSH D030342.

Allele frequency attached by ClinVar (database versions not stated): TOPMed below 0.00001; gnomAD exomes 0.00001.
gnomAD v4.1: 4 of 1,613,882 alleles (0.00025%); highest among the groups gnomAD compares: Non-Finnish European, 0.00034%; no homozygotes.

Submission:

Ambry Genetics
Classification: Uncertain significance for Inborn genetic diseases. Last evaluated: 2023-12-31. Review status: criteria provided, single submitter. Criteria: Ambry Variant Classification Scheme 2023. Collection method: clinical testing. Allele origin: germline.
Comment: The p.V412G variant (also known as c.1235T>G), located in coding exon 11 of the AKT1 gene, results from a T to G substitution at nucleotide position 1235. The valine at codon 412 is replaced by glycine, an amino acid with dissimilar properties. This amino acid position is conserved. In addition, this alteration is predicted to be tolerated by in silico analysis. Since supporting evidence is limited at this time, the clinical significance of this alteration remains unclear.

NM_001382430.1(AKT1):c.1235T>G (p.Val412Gly)

Gene: AKT1 (AKT serine/threonine kinase 1; minus strand). Cytogenetic location: 14q32.33.
Variant type: single nucleotide variant.
Coding change: c.1235T>G on transcript NM_001382430.1 (MANE Select); coding-DNA position 1235, T replaced by G.
Protein change: p.Val412Gly; replaces valine 412 with glycine.
Molecular consequence: missense variant.
Genome position (GRCh38, 1-based): chr14:104,772,390, A>C on the plus strand (T>G on the coding strand, the complement: AKT1 is on the minus strand). VCF-style: chr14-104772390-A-C. GRCh37 (hg19) VCF-style: chr14-105238727-A-C.
Other names: c.1235T>G, p.Val412Gly (NM_001014431.2, NM_001014432.2, NM_001382431.1 and 3 more transcripts); short protein forms V412G.
Identifiers: ClinVar variation 1756733 (VCV001756733.2), dbSNP rs937869519, ClinGen allele CA267348790.